The following is an entry in ClinVar:

ClinVar aggregate classification (germline): Likely benign. Review status: criteria provided, multiple submitters, no conflicts (2 of 4 stars). 2 submissions from 2 submitters: Likely benign (2). Last evaluated 2025-09-03.

Conditions:
GCDH-related disorder. Also called: GCDH-related condition.
Glutaric aciduria, type 1. Also called: GA I; Glutaricaciduria, type I; Glutaric Acidemia Type 1; Glutaryl-CoA dehydrogenase deficiency; Glutaric acidemia type I; Glutaricacidemia Type 1. Identifiers: Orphanet 25, MedGen C0268595, MONDO:0009281, OMIM 231670.

Allele frequency attached by ClinVar (database versions not stated): TOPMed below 0.00001; gnomAD 0.00001.
gnomAD v4.1: 1 of 1,614,072 alleles (0.000062%); highest among the groups gnomAD compares: Non-Finnish European, 0.000085%; no homozygotes.

Submissions (2):

PreventionGenetics, part of Exact Sciences
Classification: Likely benign for GCDH-related condition. Last evaluated: 2025-09-03. Review status: criteria provided, single submitter. Criteria: ACMG Guidelines, 2015. Collection method: clinical testing. Allele origin: germline.
Comment: This variant is classified as likely benign based on ACMG/AMP sequence variant interpretation guidelines (Richards et al. 2015 PMID: 25741868, with internal and published modifications).

Labcorp Genetics (formerly Invitae), Labcorp
Classification: Likely benign for Glutaric aciduria, type 1. Last evaluated: 2021-11-04. Review status: criteria provided, single submitter. Criteria: Invitae Variant Classification Sherloc (09022015). Collection method: clinical testing. Allele origin: germline.

NM_000159.4(GCDH):c.711G>A (p.Leu237=)

Gene: GCDH (glutaryl-CoA dehydrogenase; plus strand). Cytogenetic location: 19p13.13.
Variant type: single nucleotide variant.
Coding change: c.711G>A on transcript NM_000159.4 (MANE Select); coding-DNA position 711, G replaced by A.
Protein change: p.Leu237=; no amino-acid change (leucine 237 retained).
Molecular consequence: synonymous variant. On other transcripts: non-coding transcript variant (2).
Genome position (GRCh38, 1-based): chr19:12,896,280, G>A. VCF-style: chr19-12896280-G-A. GRCh37 (hg19) VCF-style: chr19-13007094-G-A.
Other names: c.711G>A, p.Leu237= (NM_013976.5); c.711G>A (NM_000159.3).
Identifiers: ClinVar variation 1615058 (VCV001615058.9), dbSNP rs1970676956, ClinGen allele CA505778951.